The following is an entry in ClinVar:

ClinVar aggregate classification (germline): Pathogenic (1 of 4 stars; one submission).

Submission:

Labcorp Genetics (formerly Invitae), Labcorp
Classification: Pathogenic. Last evaluated: 2022-05-12. Review status: criteria provided, single submitter. Criteria: Invitae Variant Classification Sherloc (09022015). Collection method: clinical testing. Allele origin: germline.
Comment: This variant is not present in population databases (gnomAD no frequency). This sequence change creates a premature translational stop signal (p.Val1541*) in the ALPK3 gene. It is expected to result in an absent or disrupted protein product. Loss-of-function variants in ALPK3 are known to be pathogenic (PMID: 21441111, 26846950, 27106955, 34263907). This variant has not been reported in the literature in individuals affected with ALPK3-related conditions. For these reasons, this variant has been classified as Pathogenic.

Literature cited by the submitters: PubMed 21441111; PubMed 26846950; PubMed 27106955; PubMed 34263907.

NM_020778.5(ALPK3):c.4014del (p.Pro1338_Val1339insTer)

Gene: ALPK3 (alpha kinase 3; plus strand). Cytogenetic location: 15q25.3.
Variant type: Deletion.
Coding change: c.4014del on transcript NM_020778.5 (MANE Select); coding-DNA position 4014, one base deleted (C; older notation c.4014delC).
Protein change: p.Pro1338_Val1339insTer.
Molecular consequence: frameshift variant.
Genome position (GRCh38, 1-based): chr15:84,859,824, C deleted; the last of 5 consecutive C bases (chr15:84,859,820-84,859,824); deleting any one gives the same sequence. VCF-style (leftmost placement, unchanged base first): chr15-84859819-TC-T. GRCh37 (hg19) VCF-style: chr15-85403050-TC-T.
Identifiers: ClinVar variation 1385644 (VCV001385644.6), dbSNP rs2141570684, ClinGen allele CA492008344.